The following is an entry in ClinVar:

NM_001366385.1(CARD14):c.2353C>T (p.Arg785Cys)

Genes: CARD14 (caspase recruitment domain family member 14; plus strand), SGSH (N-sulfoglucosamine sulfohydrolase; minus strand). Cytogenetic location: 17q25.3.
Variant type: single nucleotide variant.
Coding change: c.2353C>T on transcript NM_001366385.1 (MANE Select); coding-DNA position 2353, C replaced by T.
Protein change: p.Arg785Cys; replaces arginine 785 with cysteine.
Molecular consequence: missense variant. On other transcripts: non-coding transcript variant (1).
Genome position (GRCh38, 1-based): chr17:80,204,296, C>T. VCF-style: chr17-80204296-C-T. GRCh37 (hg19) VCF-style: chr17-78178095-C-T.
Other names: c.2353C>T, p.Arg785Cys (NM_024110.4); c.2353C>T (NM_024110.3); short protein forms R785C.
Identifiers: ClinVar variation 575580 (VCV000575580.10), dbSNP rs146332779, ClinGen allele CA8817281.

ClinVar aggregate classification (germline): Conflicting classifications of pathogenicity. Review status: criteria provided, conflicting classifications (1 of 4 stars). 2 submissions from 2 submitters: Uncertain significance (1); Likely benign (1). Last evaluated 2026-02-25.

Conditions:
Pityriasis rubra pilaris (PRP). Also called: Pityriasis rubra pilaris--familial type. Identifiers: Orphanet 2897, MedGen C0032027, MONDO:0100017, OMIM 173200, MONDO:0008251.
Psoriasis 2. Identifiers: MedGen C1864497, MONDO:0011269, OMIM 602723.
Inborn genetic diseases. Identifiers: MedGen C0950123, MeSH D030342.

Allele frequency attached by ClinVar (database versions not stated): gnomAD 0.00001; TOPMed 0.00002; gnomAD exomes 0.00003; ExAC 0.00004; ESP Exome Variant Server 0.00015.
gnomAD v4.1: 53 of 1,597,994 alleles (0.0033%); highest among the groups gnomAD compares: African/African-American, 0.0054%; no homozygotes.

Submissions (2):

Ambry Genetics
Classification: Likely benign for Inborn genetic diseases. Last evaluated: 2026-02-25. Review status: criteria provided, single submitter. Criteria: Ambry Variant Classification Scheme 2023. Collection method: clinical testing. Allele origin: germline.

Labcorp Genetics (formerly Invitae), Labcorp
Classification: Uncertain significance for Pityriasis rubra pilaris; Psoriasis 2. Last evaluated: 2025-10-14. Review status: criteria provided, single submitter. Criteria: Invitae Variant Classification Sherloc (09022015). Collection method: clinical testing. Allele origin: germline.
Comment: This sequence change replaces arginine, which is basic and polar, with cysteine, which is neutral and slightly polar, at codon 785 of the CARD14 protein (p.Arg785Cys). This variant is present in population databases (rs146332779, gnomAD 0.01%). This variant has not been reported in the literature in individuals affected with CARD14-related conditions. ClinVar contains an entry for this variant (Variation ID: 575580). Invitae Evidence Modeling of protein sequence and biophysical properties (such as structural, functional, and spatial information, amino acid conservation, physicochemical variation, residue mobility, and thermodynamic stability) indicates that this missense variant is not expected to disrupt CARD14 protein function with a negative predictive value of 95%. In summary, the available evidence is currently insufficient to determine the role of this variant in disease. Therefore, it has been classified as a Variant of Uncertain Significance.